The following is an entry in ClinVar:

NM_022370.4(ROBO3):c.863G>C (p.Arg288Pro)

Gene: ROBO3 (roundabout guidance receptor 3; plus strand). Cytogenetic location: 11q24.2.
Variant type: single nucleotide variant.
Coding change: c.863G>C on transcript NM_022370.4 (MANE Select); coding-DNA position 863, G replaced by C.
Protein change: p.Arg288Pro; replaces arginine 288 with proline.
Molecular consequence: missense variant.
Genome position (GRCh38, 1-based): chr11:124,870,261, G>C. VCF-style: chr11-124870261-G-C. GRCh37 (hg19) VCF-style: chr11-124740157-G-C.
Other names: short protein forms R288P.
Identifiers: ClinVar variation 3947096 (VCV003947096.2).
Genomic context (GRCh38, chr11:124,870,261, plus strand): 5'-TGGTCCTGGCTGATGCCCCTGTGACTTTCCTATGTGAGGTGAAGGGGGATCCCCCACCTC[G>C]TCTACGCTGGCGCAAGGAGGATGGGGAACTGCCCACAGGCAGGTGAGAGACCCCCTTCTG-3'
Protein context (NP_071765.2, residues 278-298): LCEVKGDPPP[Arg288Pro]LRWRKEDGEL

ClinVar aggregate classification (germline): Uncertain significance. Review status: criteria provided, multiple submitters, no conflicts (2 of 4 stars). 2 submissions from 2 submitters: Uncertain significance (2). Last evaluated 2025-05-05.

Conditions:
ROBO3-related disorder. Also called: ROBO3-related condition.
Inborn genetic diseases. Identifiers: MedGen C0950123, MeSH D030342.

gnomAD v4.1: 15 of 1,613,976 alleles (0.00093%); highest among the groups gnomAD compares: Non-Finnish European, 0.0012%; no homozygotes.

Submissions (2):

Ambry Genetics
Classification: Uncertain significance for Inborn genetic diseases. Last evaluated: 2025-05-05. Review status: criteria provided, single submitter. Criteria: Ambry Variant Classification Scheme 2023. Collection method: clinical testing. Allele origin: germline.

PreventionGenetics, part of Exact Sciences
Classification: Uncertain significance for ROBO3-related condition. Last evaluated: 2024-12-18. Review status: criteria provided, single submitter. Criteria: ACMG Guidelines, 2015. Collection method: clinical testing. Allele origin: germline.
Comment: The ROBO3 c.863G>C variant is predicted to result in the amino acid substitution p.Arg288Pro. To our knowledge, this variant has not been reported in the literature. This variant is reported in 0.0033% of alleles in individuals of South Asian descent in gnomAD. At this time, the clinical significance of this variant is uncertain due to the absence of conclusive functional and genetic evidence.